The following is an entry in ClinVar:

NM_014699.4(ZNF646):c.3629G>C (p.Arg1210Pro)

Gene: ZNF646 (zinc finger protein 646; plus strand). Cytogenetic location: 16p11.2.
Variant type: single nucleotide variant.
Coding change: c.3629G>C on transcript NM_014699.4 (MANE Select); coding-DNA position 3629, G replaced by C.
Protein change: p.Arg1210Pro; replaces arginine 1210 with proline.
Molecular consequence: missense variant.
Genome position (GRCh38, 1-based): chr16:31,079,953, G>C. VCF-style: chr16-31079953-G-C. GRCh37 (hg19) VCF-style: chr16-31091274-G-C.
Other names: short protein forms R1210P.
Identifiers: ClinVar variation 4840424 (VCV004840424.1).

ClinVar aggregate classification (germline): Uncertain significance (1 of 4 stars; one submission).

gnomAD v4.1: 3 of 1,610,764 alleles (0.00019%); highest among the groups gnomAD compares: African/African-American, 0.0027%; no homozygotes.

Submission:

Ambry Genetics
Classification: Uncertain significance. Last evaluated: 2026-02-24. Review status: criteria provided, single submitter. Criteria: Ambry Variant Classification Scheme 2023. Collection method: clinical testing. Allele origin: germline.
Comment: The c.3629G>C (p.R1210P) alteration is located in exon 2 (coding exon 1) of the ZNF646 gene. This alteration results from a G to C substitution at nucleotide position 3629, causing the arginine (R) at amino acid position 1210 to be replaced by a proline (P). Based on data from gnomAD, the C allele has an overall frequency of <0.001% (1/248788) total alleles studied. The highest observed frequency was 0.006% (1/15896) of African alleles. Based on insufficient or conflicting evidence, the clinical significance of this alteration remains unclear.